The following is an entry in ClinVar:

ClinVar aggregate classification (germline): Pathogenic (1 of 4 stars; one submission).

Conditions:
von Willebrand disease type 3 (VWD3). Also called: Type 3 Von Willebrand's disease; Type 3 VWD; Von Willebrand disease, severe form; V WD3; VON WILLEBRAND DISEASE, TYPE III. Identifiers: Orphanet 166096, MedGen C1264041, MONDO:0010191, OMIM 277480.

Submission:

Genetics and Molecular Pathology, SA Pathology
Classification: Pathogenic for von Willebrand disease type 3. Last evaluated: 2020-07-20. Review status: criteria provided, single submitter. Criteria: ACMG Guidelines, 2015. Collection method: clinical testing. Allele origin: germline. Inheritance: Autosomal recessive inheritance. Affected: yes.
Comment: The VWF c.6798+2T>A variant is classified as Pathogenic (PVS1, PM2, PP4) The VWF c.6798+2T>A variant is located in a splice donor region. Computational predictions support a deleterious effect on splicing and a likely disruption of the protein reading frame and non-sense mediated decay of the resulting protein product (PVS1). VWF c.6798+2T>A is located in intron 38. This variant is absent from population databases (PM2). The clinical features of this case are highly specific for the VWF, the family history is consistent with the mode of inheritance of this condition and this patient has a well-defined syndrome with little overlap with other clinical presentations (PP4). The variant has been reported in the HGMD database: 2020.2 not reported. It has not been reported in dbSNP or ClinVar.

NM_000552.5(VWF):c.6798+2T>A

Gene: VWF (von Willebrand factor; minus strand). Cytogenetic location: 12p13.31.
Variant type: single nucleotide variant.
Coding change: c.6798+2T>A on transcript NM_000552.5 (MANE Select); the canonical splice donor site of the intron after coding-DNA position 6798, T replaced by A.
Molecular consequence: splice donor variant.
Genome position (GRCh38, 1-based): chr12:5,991,817, A>T on the plus strand (T>A on the coding strand, the complement: VWF is on the minus strand). VCF-style: chr12-5991817-A-T. GRCh37 (hg19) VCF-style: chr12-6100983-A-T.
Identifiers: ClinVar variation 1803122 (VCV001803122.1), dbSNP rs2497448284, ClinGen allele CA383489725.
Genomic context (GRCh38, chr12:5,991,817, plus strand): 5'-TATCTCCCTTTTGACCCAAGAGGGAAGCAGCCCCATGGGAAGTGAAAGGCCCAGGCTCCT[A>T]CCTGGTGCTGGACTCCATCCTCACCAATGCACTGAGTGCAGGCCTCTTCAGGGACACAGC-3'